The following is an entry in ClinVar:

NM_000051.4(ATM):c.5265_5270delinsTTATAAGATTTATAAGAT (p.Met1755_Thr1757delinsIleTyrLysIleTyrLysIle)

Gene: ATM (ATM serine/threonine kinase; plus strand). Cytogenetic location: 11q22.3.
Variant type: Indel.
Coding change: c.5265_5270delinsTTATAAGATTTATAAGAT on transcript NM_000051.4 (MANE Select); coding-DNA positions 5265 to 5270, GACAAC replaced by TTATAAGATTTATAAGAT.
Protein change: p.Met1755_Thr1757delinsIleTyrLysIleTyrLysIle.
Molecular consequence: inframe indel.
Genome position (GRCh38, 1-based): chr11:108,301,735-108,301,740, GACAAC replaced by TTATAAGATTTATAAGAT. VCF-style: chr11-108301735-GACAAC-TTATAAGATTTATAAGAT. GRCh37 (hg19) VCF-style: chr11-108172462-GACAAC-TTATAAGATTTATAAGAT.
Other names: c.5265_5270delinsTTATAAGATTTATAAGAT, p.Met1755_Thr1757delinsIleTyrLysIleTyrLysIle (NM_001351834.2).
Identifiers: ClinVar variation 970978 (VCV000970978.6), dbSNP rs2083442751, ClinGen allele CA1139662316.

ClinVar aggregate classification (germline): Uncertain significance (1 of 4 stars; one submission).

Conditions:
Ataxia-telangiectasia syndrome (AT). Also called: ATAXIA-TELANGIECTASIA, FRESNO VARIANT; Ataxia-telangiectasia, complementation group E; Ataxia telangiectasia (A-T); LOUIS-BAR SYNDROME; Ataxia-telangiectasia, complementation group D; AT, COMPLEMENTATION GROUP C. Identifiers: Orphanet 100, MedGen C0004135, MONDO:0008840, OMIM 208900.

Submission:

Labcorp Genetics (formerly Invitae), Labcorp
Classification: Uncertain significance for Ataxia-telangiectasia syndrome. Last evaluated: 2024-06-09. Review status: criteria provided, single submitter. Criteria: Invitae Variant Classification Sherloc (09022015). Collection method: clinical testing. Allele origin: germline.
Comment: This variant, c.5265_5270delins18, is a complex sequence change that results in the deletion of 3 and insertion of 7 amino acid(s) in the ATM protein (p.Met1755_Thr1757delins7). This variant is not present in population databases (gnomAD no frequency). This variant has not been reported in the literature in individuals affected with ATM-related conditions. ClinVar contains an entry for this variant (Variation ID: 970978). Experimental studies and prediction algorithms are not available or were not evaluated, and the functional significance of this variant is currently unknown. In summary, the available evidence is currently insufficient to determine the role of this variant in disease. Therefore, it has been classified as a Variant of Uncertain Significance.